The following is an entry in ClinVar:

NM_001408.3(CELSR2):c.8463G>C (p.Glu2821Asp)

Gene: CELSR2 (cadherin EGF LAG seven-pass G-type receptor 2; plus strand). Cytogenetic location: 1p13.3.
Variant type: single nucleotide variant.
Coding change: c.8463G>C on transcript NM_001408.3 (MANE Select); coding-DNA position 8463, G replaced by C.
Protein change: p.Glu2821Asp; replaces glutamic acid 2821 with aspartic acid.
Molecular consequence: missense variant.
Genome position (GRCh38, 1-based): chr1:109,273,290, G>C. VCF-style: chr1-109273290-G-C. GRCh37 (hg19) VCF-style: chr1-109815912-G-C.
Other names: short protein forms E2821D.
Identifiers: ClinVar variation 3623555 (VCV003623555.2).

ClinVar aggregate classification (germline): Uncertain significance (1 of 4 stars; one submission).

gnomAD v4.1: 2 of 1,603,238 alleles (0.00012%); highest among the groups gnomAD compares: East Asian, 0.0022%; no homozygotes.

Submission:

Labcorp Genetics (formerly Invitae), Labcorp
Classification: Uncertain significance. Last evaluated: 2024-08-12. Review status: criteria provided, single submitter. Criteria: Invitae Variant Classification Sherloc (09022015). Collection method: clinical testing. Allele origin: germline.
Comment: This sequence change replaces glutamic acid, which is acidic and polar, with aspartic acid, which is acidic and polar, at codon 2821 of the CELSR2 protein (p.Glu2821Asp). This variant is not present in population databases (gnomAD no frequency). This variant has not been reported in the literature in individuals affected with CELSR2-related conditions. An algorithm developed to predict the effect of missense changes on protein structure and function outputs the following: PolyPhen-2: "Benign". The aspartic acid amino acid residue is found in multiple mammalian species, which suggests that this missense change does not adversely affect protein function. In summary, the available evidence is currently insufficient to determine the role of this variant in disease. Therefore, it has been classified as a Variant of Uncertain Significance.